The following is an entry in ClinVar:

NM_015365.3(AMMECR1):c.943CAT[2] (p.His317del)

Gene: AMMECR1 (AMMECR nuclear protein 1; minus strand). Cytogenetic location: Xq23.
Variant type: Microsatellite.
Coding change: c.943CAT[2] on transcript NM_015365.3 (MANE Select); two copies in a row of the 3-base unit CAT starting at c.943; the reference has three copies in a row; one copy, 3 bases deleted; also written c.949_951del.
Protein change: p.His317del; deletes histidine 317.
Genome position (GRCh38, 1-based): chrX:110,198,571-110,198,573, ATG deleted on the plus strand (CAT on the coding strand, the reverse complement: AMMECR1 is on the minus strand); deleting any 3 consecutive bases within chrX:110,198,571-110,198,579 gives the same sequence; the position shown is the placement nearest the transcript's 3' end. VCF-style (leftmost placement, unchanged base first): chrX-110198570-AATG-A. GRCh37 (hg19) VCF-style: chrX-109441798-AATG-A.
Other names: c.832CAT[2], p.His280del (NM_001025580.2); c.574CAT[2], p.His194del (NM_001171689.2); c.949_951del (NM_015365.3); short protein forms H194del, H280del, H317del.
Identifiers: ClinVar variation 3360793 (VCV003360793.3).

ClinVar aggregate classification (germline): Uncertain significance. Review status: criteria provided, multiple submitters, no conflicts (2 of 4 stars). 2 submissions from 2 submitters: Uncertain significance (2). Last evaluated 2023-07-03.

Conditions:
Midface hypoplasia, hearing impairment, elliptocytosis, and nephrocalcinosis (MFHIEN). Identifiers: Orphanet 688581, MedGen C4310810, MONDO:0010516, OMIM 300990.

Submissions (2):

GeneDx
Classification: Uncertain significance. Last evaluated: 2023-07-03. Review status: criteria provided, single submitter. Criteria: GeneDx Variant Classification Process June 2021. Collection method: clinical testing. Allele origin: germline. Affected: yes.
Comment: In-frame deletion of 1 amino acid in a non-repeat region; In silico analysis supports a deleterious effect on protein structure/function; Has not been previously published as pathogenic or benign to our knowledge

Juno Genomics, Hangzhou Juno Genomics, Inc
Classification: Uncertain significance for Midface hypoplasia, hearing impairment, elliptocytosis, and nephrocalcinosis. Review status: criteria provided, single submitter. Criteria: ACMG Guidelines, 2015. Collection method: clinical testing. Allele origin: germline.
Comment: Absent from controls (or at extremely low frequency if recessive) in Genome Aggregation Database.;Protein length changes due to in-frame deletions/insertions in a non-repeat region or stop-loss variants.